The following is an entry in ClinVar:

ClinVar aggregate classification (germline): Pathogenic/Likely pathogenic. Review status: criteria provided, multiple submitters, no conflicts (2 of 4 stars). 2 submissions from 2 submitters: Pathogenic (1); Likely pathogenic (1). Last evaluated 2018-08-16.

Conditions:
Inborn genetic diseases. Identifiers: MedGen C0950123, MeSH D030342.
Developmental and epileptic encephalopathy 93. Also called: EPILEPTIC ENCEPHALOPATHY, INFANTILE OR EARLY CHILDHOOD, 3. Identifiers: MedGen C4693934, MONDO:0020632, OMIM 618012.

Submissions (2):

Ambry Genetics
Classification: Likely pathogenic for Inborn genetic diseases. Last evaluated: 2018-08-16. Review status: criteria provided, single submitter. Criteria: Ambry exome assertion method (8-5-2015). Collection method: clinical testing. Allele origin: germline. Affected: yes. Observed: 1 variant allele.

Institute for Genomic Medicine (IGM) Clinical Laboratory, Nationwide Children's Hospital
Classification: Pathogenic for Developmental and epileptic encephalopathy 93. Last evaluated: 2018-02-19. Review status: criteria provided, single submitter. Criteria: ACMG Guidelines, 2015. Collection method: clinical testing. Allele origin: germline. Affected: yes.
Comment: [ACMG/AMP: PS2, PM1, PM2, PP2, PP3] This alteration is de novo in origin as it was not detected in the submitted parental specimens (identity confirmed) [PS2], is located in a mutational hotspot and/or critical and well-established functional domain [PM1], is absent from or rarely observed in large-scale population databases [PM2], is a missense variant in a gene in which missense variants are a common mechanism of disease [PP2], is predicted to be damaging by multiple functional prediction tools [PP3].

Literature cited by the submitters: PubMed 23334411 (cited by Ambry Genetics).

NM_001690.4(ATP6V1A):c.967A>G (p.Arg323Gly)

Gene: ATP6V1A (ATPase H+ transporting V1 subunit A; plus strand). Cytogenetic location: 3q13.31.
Variant type: single nucleotide variant.
Coding change: c.967A>G on transcript NM_001690.4 (MANE Select); coding-DNA position 967, A replaced by G.
Protein change: p.Arg323Gly; replaces arginine 323 with glycine.
Molecular consequence: missense variant.
Genome position (GRCh38, 1-based): chr3:113,789,819, A>G. VCF-style: chr3-113789819-A-G. GRCh37 (hg19) VCF-style: chr3-113508666-A-G.
Other names: short protein forms R323G.
Identifiers: ClinVar variation 973261 (VCV000973261.7), dbSNP rs1709072898, ClinGen allele CA354015872.
Genomic context (GRCh38, chr3:113,789,819, plus strand): 5'-GAGTCAATTATGAAGAGGACAGCTTTGGTAGCCAATACCTCCAATATGCCTGTTGCTGCT[A>G]GAGAAGCCTCTATTTATACTGGTGAGTATATAATTGGAATAAAAGCAGTTAACATCTGTT-3'
Protein context (NP_001681.2, residues 313-333): ANTSNMPVAA[Arg323Gly]EASIYTGITL